The following is an entry in ClinVar:

NM_005012.4(ROR1):c.929-7T>C

Gene: ROR1 (receptor tyrosine kinase like orphan receptor 1; plus strand). Cytogenetic location: 1p31.3.
Variant type: single nucleotide variant.
Coding change: c.929-7T>C on transcript NM_005012.4 (MANE Select); 7 bases into the intron before coding-DNA position 929, T replaced by C.
Molecular consequence: intron variant.
Genome position (GRCh38, 1-based): chr1:64,142,398, T>C. VCF-style: chr1-64142398-T-C. GRCh37 (hg19) VCF-style: chr1-64608081-T-C.
Other names: c.929-7T>C (NM_001083592.2).
Identifiers: ClinVar variation 3032038 (VCV003032038.2), dbSNP rs760104769, ClinGen allele CA890184.

ClinVar aggregate classification (germline): Likely benign (0 of 4 stars; one submission).

Conditions:
ROR1-related disorder. Also called: ROR1-related condition.

Allele frequency attached by ClinVar (database versions not stated): gnomAD exomes 0.00001; TOPMed 0.00002; ExAC 0.00003; gnomAD 0.00003.
gnomAD v4.1: 19 of 1,613,332 alleles (0.0012%); highest among the groups gnomAD compares: East Asian, 0.042%; no homozygotes.

Submission:

PreventionGenetics, part of Exact Sciences
Classification: Likely benign for ROR1-related condition. Last evaluated: 2020-11-24. Review status: no assertion criteria provided. Collection method: clinical testing. Allele origin: germline.
Comment: This variant is classified as likely benign based on ACMG/AMP sequence variant interpretation guidelines (Richards et al. 2015 PMID: 25741868, with internal and published modifications).